The following is an entry in ClinVar:

ClinVar aggregate classification (germline): Benign (3 of 4 stars; one submission).

Conditions:
Breast-ovarian cancer, familial, susceptibility to, 1 (BROVCA1). Also called: BRCA1 Hereditary Breast and Ovarian Cancer; OVARIAN CANCER, SUSCEPTIBILITY TO. Identifiers: Orphanet 145, MedGen C2676676, MONDO:0011450, OMIM 604370. Disease mechanism: loss of function.

Allele frequency attached by ClinVar (database versions not stated): gnomAD 0.03675 and 0.03953; 1000 Genomes Project 0.04273; TOPMed 0.04296; 1000 Genomes Project 30x 0.04653.
gnomAD v4.1: 5,544 of 151,910 alleles (3.6%); highest among the groups gnomAD compares: African/African-American, 12%; 337 homozygotes.

Submission:

Evidence-based Network for the Interpretation of Germline Mutant Alleles (ENIGMA)
Classification: Benign for Breast-ovarian cancer, familial 1. Last evaluated: 2015-01-12. Review status: reviewed by expert panel. Criteria: ENIGMA BRCA1/2 Classification Criteria (2015). Collection method: curation. Allele origin: germline.
Comment: Class 1 not pathogenic based on frequency >1% in an outbred sampleset. Frequency 0.1463 (African), derived from 1000 genomes (2012-04-30).

NM_007294.4(BRCA1):c.212+325T>C

Gene: BRCA1 (BRCA1 DNA repair associated; minus strand). Cytogenetic location: 17q21.31.
Variant type: single nucleotide variant.
Coding change: c.212+325T>C on transcript NM_007294.4 (MANE Select); 325 bases into the intron after coding-DNA position 212, T replaced by C.
Molecular consequence: intron variant.
Genome position (GRCh38, 1-based): chr17:43,106,131, A>G on the plus strand (T>C on the coding strand, the complement: BRCA1 is on the minus strand). VCF-style: chr17-43106131-A-G. GRCh37 (hg19) VCF-style: chr17-41258148-A-G.
Other names: IVS 5+325T>C; c.71+325T>C (NM_001408458.1, NM_001407931.1, NM_001407747.1 and 99 more transcripts); c.-218-11271T>C (NM_001407967.1, NM_001407966.1); c.-169-1175T>C (NM_001407959.1, NM_001407962.1, NM_001408512.1 and 4 more transcripts); c.2+347T>C (NM_001407885.1, NM_001407886.1, NM_001407898.1 and 58 more transcripts); c.212+325T>C (NM_001407686.1, NM_001408397.1, NM_001407632.1 and 167 more transcripts); c.81-1175T>C (NM_001408451.1); c.135-1175T>C (NM_001408475.1, NM_001407875.1, NM_001407659.1 and 21 more transcripts).
Identifiers: ClinVar variation 209492 (VCV000209492.2), dbSNP rs55974475, ClinGen allele CA276462.